The following is an entry in ClinVar:

ClinVar aggregate classification (germline): Uncertain significance. Review status: criteria provided, multiple submitters, no conflicts (2 of 4 stars). 5 submissions from 5 submitters: Uncertain significance (5). Last evaluated 2022-11-18.

Conditions:
Senior-Loken syndrome 8 (SLSN8). Identifiers: Orphanet 3156, MedGen C4225376, MONDO:0014579, OMIM 616307.
Asphyxiating thoracic dystrophy 5 (SRTD5). Also called: SHORT-RIB THORACIC DYSPLASIA 5 WITH OR WITHOUT POLYDACTYLY; SHORT-RIB THORACIC DYSPLASIA 5 WITHOUT POLYDACTYLY. Identifiers: Orphanet 474, MedGen C3280598, MONDO:0013717, OMIM 614376.
Nephronophthisis 13 (NPHP13). Identifiers: Orphanet 655, MedGen C3280612, MONDO:0013718, OMIM 614377.
Cranioectodermal dysplasia 4 (CED4). Identifiers: Orphanet 1515, MedGen C3280616, MONDO:0013719, OMIM 614378.
Spermatogenic failure 72 (SPGF72). Identifiers: MedGen C5676980, MONDO:0030809, OMIM 619867.
Inborn genetic diseases. Identifiers: MedGen C0950123, MeSH D030342.
Retinitis pigmentosa (RP). Identifiers: Orphanet 791, MedGen C0035334, MeSH D012174, MONDO:0019200, OMIM 268000. Inheritance: Autosomal dominant, autosomal recessive and X linked inheritance.

Allele frequency attached by ClinVar (database versions not stated): ExAC 0.00001; gnomAD exomes 0.00001.
gnomAD v4.1: 19 of 1,609,110 alleles (0.0012%); highest among the groups gnomAD compares: Non-Finnish European, 0.0015%; no homozygotes.

Submissions (5):

Ambry Genetics
Classification: Uncertain significance for Inborn genetic diseases. Last evaluated: 2022-11-18. Review status: criteria provided, single submitter. Criteria: Ambry Variant Classification Scheme 2023. Collection method: clinical testing. Allele origin: germline.

Blueprint Genetics
Classification: Uncertain significance. Last evaluated: 2022-08-15. Review status: criteria provided, single submitter. Criteria: ACMG Guidelines, 2015. Collection method: clinical testing. Allele origin: germline.

Fulgent Genetics
Classification: Uncertain significance for Asphyxiating thoracic dystrophy 5; Nephronophthisis 13; Cranioectodermal dysplasia 4; Senior-Loken syndrome 8; Spermatogenic failure 72. Last evaluated: 2022-04-10. Review status: criteria provided, single submitter. Criteria: ACMG Guidelines, 2015. Collection method: clinical testing. Allele origin: unknown.

Labcorp Genetics (formerly Invitae), Labcorp
Classification: Uncertain significance for Senior-Loken syndrome 8; Asphyxiating thoracic dystrophy 5. Last evaluated: 2021-08-30. Review status: criteria provided, single submitter. Criteria: Invitae Variant Classification Sherloc (09022015). Collection method: clinical testing. Allele origin: germline.
Comment: This sequence change replaces phenylalanine with valine at codon 1017 of the WDR19 protein (p.Phe1017Val). The phenylalanine residue is highly conserved and there is a small physicochemical difference between phenylalanine and valine. This variant is present in population databases (rs778689889, ExAC 0.003%). This variant has not been reported in the literature in individuals affected with WDR19-related conditions. Algorithms developed to predict the effect of missense changes on protein structure and function are either unavailable or do not agree on the potential impact of this missense change (SIFT: "Deleterious"; PolyPhen-2: "Probably Damaging"; Align-GVGD: "Class C15"). In summary, the available evidence is currently insufficient to determine the role of this variant in disease. Therefore, it has been classified as a Variant of Uncertain Significance.

Broad Center for Mendelian Genomics, Broad Institute of MIT and Harvard
Classification: Uncertain significance for Retinitis pigmentosa. Last evaluated: 2021-04-01. Review status: criteria provided, single submitter. Criteria: ACMG Guidelines, 2015. Collection method: curation. Allele origin: germline. Inheritance: Autosomal recessive inheritance. Affected: yes.
Comment: Through a review of available evidence we were able to apply the following criteria: PM2, PP3. Based on this evidence we have classified this variant as a Variant of Uncertain Significance. If you have any questions about the classification please reach out to the Pierce Lab.

Literature cited by the submitters: PubMed 34906470 (cited by Broad Center for Mendelian Genomics, Broad Institute of MIT and Harvard).

NM_025132.4(WDR19):c.3049T>G (p.Phe1017Val)

Gene: WDR19 (WD repeat domain 19; plus strand). Cytogenetic location: 4p14.
Variant type: single nucleotide variant.
Coding change: c.3049T>G on transcript NM_025132.4 (MANE Select); coding-DNA position 3049, T replaced by G.
Protein change: p.Phe1017Val; replaces phenylalanine 1017 with valine.
Molecular consequence: missense variant.
Genome position (GRCh38, 1-based): chr4:39,255,895, T>G. VCF-style: chr4-39255895-T-G. GRCh37 (hg19) VCF-style: chr4-39257515-T-G.
Other names: c.2569T>G, p.Phe857Val (NM_001317924.2); short protein forms F1017V, F857V.
Identifiers: ClinVar variation 1014907 (VCV001014907.10), dbSNP rs778689889, ClinGen allele CA2892250.